The following is an entry in ClinVar:

ClinVar aggregate classification (germline): Uncertain significance. Review status: criteria provided, multiple submitters, no conflicts (2 of 4 stars). 2 submissions from 2 submitters: Uncertain significance (2). Last evaluated 2024-02-05.

Conditions:
Classic or attenuated familial adenomatous polyposis. Identifiers: MedGen CN372698, MONDO:0021057.
Hereditary cancer-predisposing syndrome. Also called: Neoplastic Syndromes, Hereditary; Tumor predisposition; Hereditary Cancer Syndrome; Hereditary neoplastic syndrome. Identifiers: Orphanet 140162, MedGen C0027672, MeSH D009386, MONDO:0015356.

Allele frequency attached by ClinVar (database versions not stated): gnomAD exomes below 0.00001.
gnomAD v4.1: 3 of 1,613,646 alleles (0.00019%); highest among the groups gnomAD compares: South Asian, 0.0011%; no homozygotes.

Submissions (2):

All of Us Research Program, National Institutes of Health
Classification: Uncertain significance for Classic or attenuated familial adenomatous polyposis. Last evaluated: 2024-02-05. Review status: criteria provided, single submitter. Criteria: ACMG Guidelines, 2015. Collection method: clinical testing. Allele origin: germline. Inheritance: Autosomal dominant inheritance. Observed: 1 variant allele, 1 heterozygote.
Comment: This missense variant replaces alanine with valine at codon 3 of the APC protein. Computational prediction suggests that this variant may not impact protein structure and function (internally defined REVEL score threshold <= 0.5, PMID: 27666373). To our knowledge, functional studies have not been reported for this variant. This variant has not been reported in individuals affected with APC-related disorders in the literature. This variant has not been identified in the general population by the Genome Aggregation Database (gnomAD). The available evidence is insufficient to determine the role of this variant in disease conclusively. Therefore, this variant is classified as a Variant of Uncertain Significance.

This study involves interpretation of variants in research participants for the purpose of population health screening. Participant phenotype was not available at the time of variant classification. Additional details can be found in publication PMID: 35346344, PMCID: PMC8962531

Ambry Genetics
Classification: Uncertain significance for Hereditary cancer-predisposing syndrome. Last evaluated: 2021-02-19. Review status: criteria provided, single submitter. Criteria: Ambry Variant Classification Scheme 2023. Collection method: clinical testing. Allele origin: germline.
Comment: The p.A3V variant (also known as c.8C>T), located in coding exon 1 of the APC gene, results from a C to T substitution at nucleotide position 8. The alanine at codon 3 is replaced by valine, an amino acid with similar properties. This amino acid position is highly conserved in available vertebrate species. In addition, in silico predictors for this gene do not accurately predict pathogenicity. Since supporting evidence is limited at this time, the clinical significance of this alteration remains unclear.

NM_000038.6(APC):c.8C>T (p.Ala3Val)

Gene: APC (APC regulator of Wnt signaling pathway; plus strand). Cytogenetic location: 5q22.2.
Variant type: single nucleotide variant.
Coding change: c.8C>T on transcript NM_000038.6 (MANE Select); coding-DNA position 8, C replaced by T.
Protein change: p.Ala3Val; replaces alanine 3 with valine.
Molecular consequence: missense variant. On other transcripts: intron variant (8), 5 prime UTR variant (1).
Genome position (GRCh38, 1-based): chr5:112,754,898, C>T. VCF-style: chr5-112754898-C-T. GRCh37 (hg19) VCF-style: chr5-112090595-C-T.
Other names: c.8C>T, p.Ala3Val (NM_001407456.1, NM_001407457.1, NM_001407458.1 and 16 more transcripts); c.-1028C>T (NM_001407470.1, NM_001407471.1, NM_001407472.1 and 1 more transcripts); c.166-11428C>T (NM_001354897.2, NM_001354902.2, NM_001127511.3); c.61-11428C>T (NM_001354898.2, NM_001354904.2); c.-42-11428C>T (NM_001354900.2, NM_001354901.2, NM_001354905.2); short protein forms A3V.
Identifiers: ClinVar variation 1765422 (VCV001765422.3), dbSNP rs2149737259, ClinGen allele CA16021354.